The following is an entry in ClinVar:

NM_005548.2(KARS1):c.[1430G>A];[1513C>T]

Variant type: CompoundHeterozygote.
Identifiers: ClinVar variation 437932 (VCV000437932.3).

ClinVar aggregate classification (germline): Pathogenic (0 of 4 stars; one submission).

Conditions:
Deafness. Identifiers: MedGen C0011053.
Leukoencephalopathy. Identifiers: MedGen C0270612, HP:0002352.

Submission:

Molecular Biology of Hearing and Deafness Laboratory, Xinhua Hospital
Classification: Pathogenic for Deafness; Leukoencephalopathy. Last evaluated: 2017-06-01. Review status: no assertion criteria provided. Collection method: clinical testing, research. Allele origin: germline, not applicable. Inheritance: Autosomal recessive inheritance. Affected: yes. Observed: 1 variant allele, 1 compound heterozygote.
Comment: These two compound heterozygous mutations c.1430G>A (p.Arg477His) and c.1513C>T (p.Pro505Ser) in KARS were functionally characterized by enzymatic assays, immunofluorescence, circular dichroism analysis and gel filtration chromatography. Despite no alteration in the dimer-tetramer oligomerization and cellular distribution by either mutation, the protein structure was notably influenced by the R477H mutation, which subsequently released the protein from the multiple-synthetase complex (MSC), likely disrupting the Arg477-Asp346 interaction and consequently the p38-binding surface. Compared with the wild-type LysRS, mutant LysRSs with the R477H and P505S mutations had decreased tRNALys aminoacylation and displayed a cumulative effect when introduced simultaneously. Our studies showed that mutations in KARS lead to a newly defined subtype of leukoencephalopathy associated with sensorineural hearing impairment. The combined effect of reduced aminoacylation and release of LysRS from the MSC likely underlies the pathogenesis of the two novel KARS mutations identified in this study.